The following is an entry in ClinVar:

NM_007129.5(ZIC2):c.1127A>G (p.Asn376Ser)

Gene: ZIC2 (Zic family zinc finger 2; plus strand). Cytogenetic location: 13q32.3.
Variant type: single nucleotide variant.
Coding change: c.1127A>G on transcript NM_007129.5 (MANE Select); coding-DNA position 1127, A replaced by G.
Protein change: p.Asn376Ser; replaces asparagine 376 with serine.
Molecular consequence: missense variant.
Genome position (GRCh38, 1-based): chr13:99,984,997, A>G. VCF-style: chr13-99984997-A-G. GRCh37 (hg19) VCF-style: chr13-100637251-A-G.
Other names: short protein forms N376S.
Identifiers: ClinVar variation 1308529 (VCV001308529.4), dbSNP rs2152163559, ClinGen allele CA388638878.

ClinVar aggregate classification (germline): Uncertain significance. Review status: criteria provided, multiple submitters, no conflicts (2 of 4 stars). 2 submissions from 2 submitters: Uncertain significance (2). Last evaluated 2025-05-15.

Conditions:
Inborn genetic diseases. Identifiers: MedGen C0950123, MeSH D030342.

Submissions (2):

Ambry Genetics
Classification: Uncertain significance for Inborn genetic diseases. Last evaluated: 2025-05-15. Review status: criteria provided, single submitter. Criteria: Ambry Variant Classification Scheme 2023. Collection method: clinical testing. Allele origin: germline.
Comment: The c.1127A>G (p.N376S) alteration is located in exon 2 (coding exon 2) of the ZIC2 gene. This alteration results from a A to G substitution at nucleotide position 1127, causing the asparagine (N) at amino acid position 376 to be replaced by a serine (S). This variant was not reported in population-based cohorts in the Genome Aggregation Database (gnomAD). This variant was reported in individual(s) with features consistent with holoprosencephaly (Roessler 2018). This amino acid position is highly conserved in available vertebrate species. This alteration is predicted to be tolerated by in silico analysis. Based on insufficient or conflicting evidence, the clinical significance of this alteration remains unclear.

GeneDx
Classification: Uncertain significance. Last evaluated: 2024-12-03. Review status: criteria provided, single submitter. Criteria: GeneDx Variant Classification Process June 2021. Collection method: clinical testing. Allele origin: germline. Affected: yes.
Comment: In silico analysis supports that this missense variant has a deleterious effect on protein structure/function; Not observed at significant frequency in large population cohorts (gnomAD); This variant is associated with the following publications: (PMID: 29992659)

Literature cited by the submitters: PubMed 29992659 (cited by Ambry Genetics).